The following is an entry in ClinVar:

ClinVar aggregate classification (germline): Uncertain significance (1 of 4 stars; one submission).

Conditions:
Congenital hyperammonemia, type I. Also called: CPS I DEFICIENCY; Carbamoyl-phosphate synthase I deficiency; Carbamoyl phosphate synthetase 1 deficiency; Hyperammonemia due to carbamoyl phosphate synthetase 1 deficiency; CPS 1 deficiency; Carbamyl phosphate synthetase (CPS) deficiency. Identifiers: Orphanet 147, MedGen C4082171, MONDO:0009376, OMIM 237300.

Allele frequency attached by ClinVar (database versions not stated): gnomAD exomes below 0.00001.
gnomAD v4.1: 7 of 1,612,518 alleles (0.00043%); highest among the groups gnomAD compares: Admixed American, 0.0033%; no homozygotes.

Submission:

Labcorp Genetics (formerly Invitae), Labcorp
Classification: Uncertain significance for Congenital hyperammonemia, type I. Last evaluated: 2022-09-12. Review status: criteria provided, single submitter. Criteria: Invitae Variant Classification Sherloc (09022015). Collection method: clinical testing. Allele origin: germline.
Comment: This sequence change falls in intron 8 of the CPS1 gene. It does not directly change the encoded amino acid sequence of the CPS1 protein. It affects a nucleotide within the consensus splice site. This variant is present in population databases (no rsID available, gnomAD 0.003%). This variant has not been reported in the literature in individuals affected with CPS1-related conditions. ClinVar contains an entry for this variant (Variation ID: 1361530). Variants that disrupt the consensus splice site are a relatively common cause of aberrant splicing (PMID: 17576681, 9536098). Algorithms developed to predict the effect of sequence changes on RNA splicing suggest that this variant may disrupt the consensus splice site. In summary, the available evidence is currently insufficient to determine the role of this variant in disease. Therefore, it has been classified as a Variant of Uncertain Significance.

Literature cited by the submitters: PubMed 17576681; PubMed 9536098.

NM_001875.5(CPS1):c.840+6A>G

Gene: CPS1 (carbamoyl-phosphate synthase 1; plus strand). Cytogenetic location: 2q34.
Variant type: single nucleotide variant.
Coding change: c.840+6A>G on transcript NM_001875.5 (MANE Select); 6 bases into the intron after coding-DNA position 840, A replaced by G.
Molecular consequence: intron variant.
Genome position (GRCh38, 1-based): chr2:210,590,240, A>G. VCF-style: chr2-210590240-A-G. GRCh37 (hg19) VCF-style: chr2-211454964-A-G.
Other names: c.840+6A>G (NM_001369257.1, NM_001122633.3); c.873+6A>G (NM_001369256.1).
Identifiers: ClinVar variation 1361530 (VCV001361530.3), dbSNP rs1477495553, ClinGen allele CA539125065.
Genomic context (GRCh38, chr2:210,590,240, plus strand): 5'-GGGAGGACCGGGGAACCCAGCTCTTGCAGAACCACTAATTCAGAATGTCAGAAAGGTGCA[A>G]TGAACCTTGAATTCATGTGTATCTGTGTGGGAGGTGGGGGCTTCCGCTCTATACCCTCAA-3'